The following is an entry in ClinVar:

ClinVar aggregate classification (germline): Uncertain significance (1 of 4 stars; one submission).

Conditions:
Pyogenic arthritis-pyoderma gangrenosum-acne syndrome (PAPA). Also called: FAMILIAL RECURRENT ARTHRITIS; PAPA SYNDROME. Identifiers: Orphanet 69126, MedGen C1858361, MONDO:0011462, OMIM 604416.

Allele frequency attached by ClinVar (database versions not stated): gnomAD 0.00001; TOPMed 0.00002; ExAC 0.00004; gnomAD exomes 0.00004.
gnomAD v4.1: 53 of 1,554,940 alleles (0.0034%); highest among the groups gnomAD compares: Non-Finnish European, 0.0045%; no homozygotes.

Submission:

Labcorp Genetics (formerly Invitae), Labcorp
Classification: Uncertain significance for Pyogenic arthritis-pyoderma gangrenosum-acne syndrome. Last evaluated: 2025-06-14. Review status: criteria provided, single submitter. Criteria: Invitae Variant Classification Sherloc (09022015). Collection method: clinical testing. Allele origin: germline.
Comment: This sequence change falls in intron 7 of the PSTPIP1 gene. It does not directly change the encoded amino acid sequence of the PSTPIP1 protein. It affects a nucleotide within the consensus splice site. The frequency data for this variant in the population databases is considered unreliable, as metrics indicate poor data quality at this position in the gnomAD database. This variant has not been reported in the literature in individuals affected with PSTPIP1-related conditions. ClinVar contains an entry for this variant (Variation ID: 1041217). Variants that disrupt the consensus splice site are a relatively common cause of aberrant splicing (PMID: 17576681, 9536098). Algorithms developed to predict the effect of sequence changes on RNA splicing suggest that this variant is not likely to affect RNA splicing. In summary, the available evidence is currently insufficient to determine the role of this variant in disease. Therefore, it has been classified as a Variant of Uncertain Significance.

Literature cited by the submitters: PubMed 17576681; PubMed 9536098.

NM_003978.5(PSTPIP1):c.516+4C>A

Gene: PSTPIP1 (proline-serine-threonine phosphatase interacting protein 1; plus strand). Cytogenetic location: 15q24.3.
Variant type: single nucleotide variant.
Coding change: c.516+4C>A on transcript NM_003978.5 (MANE Select); 4 bases into the intron after coding-DNA position 516, C replaced by A.
Molecular consequence: intron variant.
Genome position (GRCh38, 1-based): chr15:77,028,656, C>A. VCF-style: chr15-77028656-C-A. GRCh37 (hg19) VCF-style: chr15-77320997-C-A.
Other names: c.711+4C>A (NM_001321137.1); c.489+4C>A (NM_001321136.2); c.516+4C>A (NM_001321135.2).
Identifiers: ClinVar variation 1041217 (VCV001041217.8), dbSNP rs752232834, ClinGen allele CA7675843.